The following is an entry in ClinVar:

NM_001197104.2(KMT2A):c.11228G>A (p.Cys3743Tyr)

Genes: KMT2A (lysine methyltransferase 2A; plus strand), TTC36-AS1 (TTC36 and KMT2A antisense RNA 1; minus strand). Cytogenetic location: 11q23.3.
Variant type: single nucleotide variant.
Coding change: c.11228G>A on transcript NM_001197104.2 (MANE Select); coding-DNA position 11228, G replaced by A.
Protein change: p.Cys3743Tyr; replaces cysteine 3743 with tyrosine.
Molecular consequence: missense variant.
Genome position (GRCh38, 1-based): chr11:118,519,699, G>A. VCF-style: chr11-118519699-G-A. GRCh37 (hg19) VCF-style: chr11-118390414-G-A.
Other names: c.11318G>A, p.Cys3773Tyr (NM_001412597.1); c.11219G>A, p.Cys3740Tyr (NM_005933.4); short protein forms C3740Y, C3743Y, C3773Y.
Identifiers: ClinVar variation 1926069 (VCV001926069.6), dbSNP rs782658611, ClinGen allele CA6304932.

ClinVar aggregate classification (germline): Uncertain significance. Review status: criteria provided, multiple submitters, no conflicts (2 of 4 stars). 2 submissions from 2 submitters: Uncertain significance (2). Last evaluated 2026-03-26.

Allele frequency attached by ClinVar (database versions not stated): ExAC 0.00001; gnomAD exomes 0.00001.
gnomAD v4.1: 3 of 1,614,146 alleles (0.00019%); highest among the groups gnomAD compares: Admixed American, 0.0017%; no homozygotes.

Submissions (2):

Women's Health and Genetics/Laboratory Corporation of America, LabCorp
Classification: Uncertain significance. Last evaluated: 2026-03-26. Review status: criteria provided, single submitter. Criteria: LabCorp Variant Classification Summary - May 2015. Collection method: clinical testing. Allele origin: germline.
Comment: Variant summary: KMT2A c.11228G>A (p.Cys3743Tyr) results in a non-conservative amino acid change in the encoded protein sequence. Algorithms developed to predict the effect of missense changes on protein structure and function are either unavailable or do not agree on the potential impact of this missense change. The variant allele was found at a frequency of 4e-06 in 251488 control chromosomes. The available data on variant occurrences in the general population are insufficient to allow any conclusion about variant significance. To our knowledge, no occurrence of c.11228G>A in individuals affected with KMT2A-related conditions and no experimental evidence demonstrating its impact on protein function have been reported. ClinVar contains an entry for this variant (Variation ID: 1926069). Based on the evidence outlined above, the variant was classified as uncertain significance.

Labcorp Genetics (formerly Invitae), Labcorp
Classification: Uncertain significance. Last evaluated: 2022-10-17. Review status: criteria provided, single submitter. Criteria: Invitae Variant Classification Sherloc (09022015). Collection method: clinical testing. Allele origin: germline.
Comment: In summary, the available evidence is currently insufficient to determine the role of this variant in disease. Therefore, it has been classified as a Variant of Uncertain Significance. Advanced modeling of protein sequence and biophysical properties (such as structural, functional, and spatial information, amino acid conservation, physicochemical variation, residue mobility, and thermodynamic stability) has been performed at Invitae for this missense variant, however the output from this modeling did not meet the statistical confidence thresholds required to predict the impact of this variant on KMT2A protein function. This variant has not been reported in the literature in individuals affected with KMT2A-related conditions. This variant is present in population databases (rs782658611, gnomAD 0.0009%). This sequence change replaces cysteine, which is neutral and slightly polar, with tyrosine, which is neutral and polar, at codon 3743 of the KMT2A protein (p.Cys3743Tyr).